The following is an entry in ClinVar:

ClinVar aggregate classification (germline): Benign (0 of 4 stars; one submission).

Conditions:
DVL2-related disorder. Also called: DVL2-related condition.

Allele frequency attached by ClinVar (database versions not stated): TOPMed 0.31948; ESP Exome Variant Server 0.32508; 1000 Genomes Project 30x 0.33089; 1000 Genomes Project 0.33267; gnomAD 0.33735; ExAC 0.35006; gnomAD exomes 0.36005.
gnomAD v4.1: 577,655 of 1,613,762 alleles (36%); highest among the groups gnomAD compares: South Asian, 40%; 105,370 homozygotes.

Submission:

PreventionGenetics, part of Exact Sciences
Classification: Benign for DVL2-related condition. Last evaluated: 2019-10-21. Review status: no assertion criteria provided. Collection method: clinical testing. Allele origin: germline.
Comment: This variant is classified as benign based on ACMG/AMP sequence variant interpretation guidelines (Richards et al. 2015 PMID: 25741868, with internal and published modifications).

NM_004422.3(DVL2):c.405C>T (p.Ser135=)

Genes: DVL2 (dishevelled segment polarity protein 2; minus strand), LOC126862480 (CDK7 strongly-dependent group 2 enhancer GRCh37_chr17:7132793-7133992; plus strand). Cytogenetic location: 17p13.1.
Variant type: single nucleotide variant.
Coding change: c.405C>T on transcript NM_004422.3 (MANE Select); coding-DNA position 405, C replaced by T.
Protein change: p.Ser135=; no amino-acid change (serine 135 retained).
Molecular consequence: synonymous variant.
Genome position (GRCh38, 1-based): chr17:7,230,290, G>A on the plus strand (C>T on the coding strand, the complement: DVL2 is on the minus strand). VCF-style: chr17-7230290-G-A. GRCh37 (hg19) VCF-style: chr17-7133609-G-A.
Identifiers: ClinVar variation 3060815 (VCV003060815.2), dbSNP rs2074216, ClinGen allele CA8338993.